The following is an entry in ClinVar:

NM_006494.4(ERF):c.902C>T (p.Ser301Phe)

Gene: ERF (ETS2 repressor factor; minus strand). Cytogenetic location: 19q13.2.
Variant type: single nucleotide variant.
Coding change: c.902C>T on transcript NM_006494.4 (MANE Select); coding-DNA position 902, C replaced by T.
Protein change: p.Ser301Phe; replaces serine 301 with phenylalanine.
Molecular consequence: missense variant.
Genome position (GRCh38, 1-based): chr19:42,249,210, G>A on the plus strand (C>T on the coding strand, the complement: ERF is on the minus strand). VCF-style: chr19-42249210-G-A. GRCh37 (hg19) VCF-style: chr19-42753362-G-A.
Other names: c.677C>T, p.Ser226Phe (NM_001301035.2, NM_001308402.2, NM_001312656.2); short protein forms S226F, S301F.
Identifiers: ClinVar variation 3774271 (VCV003774271.1).
Genomic context (GRCh38, chr19:42,249,210, plus strand): 5'-ACGCTTTGGGTGTGGGCCTGCAGGTACCGTTTCATGTCCTCAGGGCTGAAGGAGAAGTGG[G>A]AGCCTCCCCCTGAGCCGCTGGGCCCCCCGCCACCACTGGGGTACATCGGGCTCAGCGTGG-3'
Protein context (NP_006485.2, residues 291-311): GGGPSGSGGG[Ser301Phe]HFSFSPEDMK

ClinVar aggregate classification (germline): Uncertain significance (1 of 4 stars; one submission).

Submission:

GeneDx
Classification: Uncertain significance. Last evaluated: 2024-09-23. Review status: criteria provided, single submitter. Criteria: GeneDx Variant Classification Process June 2021. Collection method: clinical testing. Allele origin: germline. Affected: yes.
Comment: Not observed at significant frequency in large population cohorts (gnomAD); In silico analysis supports that this missense variant has a deleterious effect on protein structure/function; Has not been previously published as pathogenic or benign to our knowledge